The following is an entry in ClinVar:

NM_001312673.2(PCYT1A):c.1042C>T (p.Pro348Ser)

Gene: PCYT1A (phosphate cytidylyltransferase 1A, choline; minus strand). Cytogenetic location: 3q29.
Variant type: single nucleotide variant.
Coding change: c.1042C>T on transcript NM_001312673.2 (MANE Select); coding-DNA position 1042, C replaced by T.
Protein change: p.Pro348Ser; replaces proline 348 with serine.
Molecular consequence: missense variant.
Genome position (GRCh38, 1-based): chr3:196,238,750, G>A on the plus strand (C>T on the coding strand, the complement: PCYT1A is on the minus strand). VCF-style: chr3-196238750-G-A. GRCh37 (hg19) VCF-style: chr3-195965621-G-A.
Other names: c.1042C>T, p.Pro348Ser (NM_005017.4); c.1042C>T (NM_005017.2); short protein forms P348S.
Identifiers: ClinVar variation 836525 (VCV000836525.6), dbSNP rs369326424, ClinGen allele CA2779337.

ClinVar aggregate classification (germline): Uncertain significance. Review status: criteria provided, multiple submitters, no conflicts (2 of 4 stars). 3 submissions from 3 submitters: Uncertain significance (3). Last evaluated 2025-04-20.

Conditions:
Inborn genetic diseases. Identifiers: MedGen C0950123, MeSH D030342.

Allele frequency attached by ClinVar (database versions not stated): ExAC 0.00003; TOPMed 0.00003; ESP Exome Variant Server 0.00008.
gnomAD v4.1: 47 of 1,592,178 alleles (0.003%); highest among the groups gnomAD compares: African/African-American, 0.0041%; no homozygotes.

Submissions (3):

Ambry Genetics
Classification: Uncertain significance for Inborn genetic diseases. Last evaluated: 2025-04-20. Review status: criteria provided, single submitter. Criteria: Ambry Variant Classification Scheme 2023. Collection method: clinical testing. Allele origin: germline.

Blueprint Genetics
Classification: Uncertain significance. Last evaluated: 2023-10-03. Review status: criteria provided, single submitter. Criteria: ACMG Guidelines, 2015. Collection method: clinical testing. Allele origin: germline.

Labcorp Genetics (formerly Invitae), Labcorp
Classification: Uncertain significance. Last evaluated: 2022-07-11. Review status: criteria provided, single submitter. Criteria: Invitae Variant Classification Sherloc (09022015). Collection method: clinical testing. Allele origin: germline.
Comment: This sequence change replaces proline, which is neutral and non-polar, with serine, which is neutral and polar, at codon 348 of the PCYT1A protein (p.Pro348Ser). This variant is present in population databases (rs369326424, gnomAD 0.009%). This variant has not been reported in the literature in individuals affected with PCYT1A-related conditions. ClinVar contains an entry for this variant (Variation ID: 836525). Advanced modeling of protein sequence and biophysical properties (such as structural, functional, and spatial information, amino acid conservation, physicochemical variation, residue mobility, and thermodynamic stability) performed at Invitae indicates that this missense variant is not expected to disrupt PCYT1A protein function. In summary, the available evidence is currently insufficient to determine the role of this variant in disease. Therefore, it has been classified as a Variant of Uncertain Significance.